The following is an entry in ClinVar:

NM_000321.3(RB1):c.1961-623_2107-367del

Gene: RB1 (RB transcriptional corepressor 1; plus strand). Cytogenetic location: 13q14.2.
Variant type: Deletion.
Coding change: c.1961-623_2107-367del on transcript NM_000321.3 (MANE Select); 623 bases into the intron before coding-DNA position 1961 through 367 bases into the intron before coding-DNA position 2107, 4,300 bases deleted.
Molecular consequence: splice acceptor variant, splice donor variant.
Genome position (GRCh38, 1-based): chr13:48,459,065-48,463,364, 4,300 bases deleted. GRCh37 (hg19): chr13:49,033,201-49,037,500.
Other names: c.1961-623_2107-367del (NM_001407165.1).
Identifiers: ClinVar variation 3602693 (VCV003602693.1).

ClinVar aggregate classification (germline): Pathogenic (1 of 4 stars; one submission).

Conditions:
Retinoblastoma (RB1). Also called: RETINOBLASTOMA, SOMATIC. Identifiers: Orphanet 790, MedGen C0035335, MeSH D012175, MONDO:0008380, OMIM 180200, HP:0009919. Disease mechanism: loss of function. Inheritance: Both sporadic and heritable forms are tested..

Submission:

St. Jude Molecular Pathology, St. Jude Children's Research Hospital
Classification: Pathogenic for Retinoblastoma. Last evaluated: 2025-01-29. Review status: criteria provided, single submitter. Criteria: St. Jude Assertion Criteria 2020. Collection method: clinical testing. Allele origin: germline.
Comment: This variant is a gross deletion of the genomic region encompassing exon 20 of the RB1 gene. The 5' end is confined to intron 19. The 3' end of this event is confined to intron 20. Deletions of this region have been reported in individuals with retinoblastoma (PMID: 15884040, 18181215, internal data). In summary, this variant meets criteria to be classified as pathogenic.